The following is an entry in ClinVar:

NM_138295.5(PKD1L1):c.5452A>G (p.Ile1818Val)

Gene: PKD1L1 (polycystin 1 like 1, transient receptor potential channel interacting; minus strand). Cytogenetic location: 7p12.3.
Variant type: single nucleotide variant.
Coding change: c.5452A>G on transcript NM_138295.5 (MANE Select); coding-DNA position 5452, A replaced by G.
Protein change: p.Ile1818Val; replaces isoleucine 1818 with valine.
Molecular consequence: missense variant.
Genome position (GRCh38, 1-based): chr7:47,840,561, T>C on the plus strand (A>G on the coding strand, the complement: PKD1L1 is on the minus strand). VCF-style: chr7-47840561-T-C. GRCh37 (hg19) VCF-style: chr7-47880159-T-C.
Other names: c.5452A>G (NM_138295.3); short protein forms I1818V.
Identifiers: ClinVar variation 4874255 (VCV004874255.3).

ClinVar aggregate classification (germline): Uncertain significance. Review status: criteria provided, multiple submitters, no conflicts (2 of 4 stars). 2 submissions from 2 submitters: Uncertain significance (2). Last evaluated 2026-05-01.

Conditions:
PKD1L1-related disorder. Also called: PKD1L1-related condition.

gnomAD v4.1: 9 of 1,612,888 alleles (0.00056%); highest among the groups gnomAD compares: Admixed American, 0.0033%; no homozygotes.

Submissions (2):

CeGaT Center for Human Genetics Tuebingen
Classification: Uncertain significance. Last evaluated: 2026-05-01. Review status: criteria provided, single submitter. Criteria: CeGaT Center For Human Genetics Tuebingen Variant Classification Criteria Version 2. Collection method: clinical testing. Allele origin: germline. Affected: yes. Observed: 1 variant allele.
Comment: PKD1L1: PM2, BP4

PreventionGenetics, part of Exact Sciences
Classification: Uncertain significance for PKD1L1-related condition. Last evaluated: 2025-05-08. Review status: criteria provided, single submitter. Criteria: ACMG Guidelines, 2015. Collection method: clinical testing. Allele origin: germline.
Comment: The PKD1L1 c.5452A>G variant is predicted to result in the amino acid substitution p.Ile1818Val. To our knowledge, this variant has not been reported in the literature. This variant is reported in 0.0096% of alleles in individuals of Ashkenazi Jewish descent in gnomAD. At this time, the clinical significance of this variant is uncertain due to the absence of conclusive functional and genetic evidence.